The following is an entry in ClinVar:

NM_000548.5(TSC2):c.4692T>G (p.Asn1564Lys)

Gene: TSC2 (TSC complex subunit 2; plus strand). Cytogenetic location: 16p13.3.
Variant type: single nucleotide variant.
Coding change: c.4692T>G on transcript NM_000548.5 (MANE Select); coding-DNA position 4692, T replaced by G.
Protein change: p.Asn1564Lys; replaces asparagine 1564 with lysine.
Molecular consequence: missense variant. On other transcripts: non-coding transcript variant (5).
Genome position (GRCh38, 1-based): chr16:2,086,222, T>G. VCF-style: chr16-2086222-T-G. GRCh37 (hg19) VCF-style: chr16-2136223-T-G.
Other names: c.4491T>G, p.Asn1497Lys (NM_001077183.3); c.4623T>G, p.Asn1541Lys (NM_001114382.3); c.4383T>G, p.Asn1461Lys (NM_001318827.2); c.4347T>G, p.Asn1449Lys (NM_001318829.2); c.4494T>G, p.Asn1498Lys (NM_001363528.2); c.4560T>G, p.Asn1520Lys (NM_001370404.1); c.3960T>G, p.Asn1320Lys (NM_001318831.2); c.4524T>G, p.Asn1508Lys (NM_001318832.2); and 26 more; short protein forms N1050K, N1460K, N1497K, N1504K, N1527K, N1528K, N1564K, N1297K.
Identifiers: ClinVar variation 3637247 (VCV003637247.2).

ClinVar aggregate classification (germline): Likely pathogenic (1 of 4 stars; one submission).

Conditions:
Tuberous sclerosis 2 (TSC2). Identifiers: Orphanet 805, MedGen C1860707, MONDO:0013199, OMIM 613254.

Submission:

Labcorp Genetics (formerly Invitae), Labcorp
Classification: Likely pathogenic for Tuberous sclerosis 2. Last evaluated: 2024-06-17. Review status: criteria provided, single submitter. Criteria: Invitae Variant Classification Sherloc (09022015). Collection method: clinical testing. Allele origin: germline.
Comment: This sequence change replaces asparagine, which is neutral and polar, with lysine, which is basic and polar, at codon 1564 of the TSC2 protein (p.Asn1564Lys). This variant is not present in population databases (gnomAD no frequency). This missense change has been observed in individual(s) with clinical features of tuberous sclerosis complex (Invitae). In at least one individual the variant was observed to be de novo. Advanced modeling of protein sequence and biophysical properties (such as structural, functional, and spatial information, amino acid conservation, physicochemical variation, residue mobility, and thermodynamic stability) performed at Invitae indicates that this missense variant is not expected to disrupt TSC2 protein function with a negative predictive value of 95%. In summary, the currently available evidence indicates that the variant is pathogenic, but additional data are needed to prove that conclusively. Therefore, this variant has been classified as Likely Pathogenic.